The following is an entry in ClinVar:

NM_006031.6(PCNT):c.4387C>A (p.Leu1463Met)

Gene: PCNT (pericentrin; plus strand). Cytogenetic location: 21q22.3.
Variant type: single nucleotide variant.
Coding change: c.4387C>A on transcript NM_006031.6 (MANE Select); coding-DNA position 4387, C replaced by A.
Protein change: p.Leu1463Met; replaces leucine 1463 with methionine.
Molecular consequence: missense variant.
Genome position (GRCh38, 1-based): chr21:46,397,435, C>A. VCF-style: chr21-46397435-C-A. GRCh37 (hg19) VCF-style: chr21-47817349-C-A.
Other names: c.4033C>A, p.Leu1345Met (NM_001315529.2); short protein forms L1463M, L1345M.
Identifiers: ClinVar variation 340490 (VCV000340490.13), dbSNP rs193261408, ClinGen allele CA10079614.
Genomic context (GRCh38, chr21:46,397,435, plus strand): 5'-TTAGAAGAACAGCTGTCTCAGCATCGCGGGTGTGCCAAGCAGGCGGAGGCCGTCACTGCC[C>A]TGGAACAGCAGGTGGCATCTCTGGACAAGCATTTGCGCAACCAGCGGCAATTCATGGATG-3'
Protein context (NP_006022.3, residues 1453-1473): CAKQAEAVTA[Leu1463Met]EQQVASLDKH

ClinVar aggregate classification (germline): Conflicting classifications of pathogenicity. Review status: criteria provided, conflicting classifications (1 of 4 stars). 3 submissions from 3 submitters: Uncertain significance (1); Likely benign (2). Last evaluated 2025-12-19.

Conditions:
Microcephalic osteodysplastic primordial dwarfism type II (MOPD2). Also called: OSTEODYSPLASTIC PRIMORDIAL DWARFISM, TYPE II; Microcephalic osteodysplastic primordial dwarfism with tooth abnormalities; MOPD II. Identifiers: Orphanet 2637, MedGen C0432246, MONDO:0008872, OMIM 210720.
PCNT-related disorder. Also called: PCNT-related condition.

Allele frequency attached by ClinVar (database versions not stated): gnomAD 0.00006 and 0.00007; TOPMed 0.00010; ExAC 0.00015; 1000 Genomes Project 0.00040; 1000 Genomes Project 30x 0.00047.
gnomAD v4.1: 67 of 1,614,196 alleles (0.0042%); highest among the groups gnomAD compares: East Asian, 0.14%; no homozygotes.

Submissions (3):

Labcorp Genetics (formerly Invitae), Labcorp
Classification: Likely benign. Last evaluated: 2025-12-19. Review status: criteria provided, single submitter. Criteria: Invitae Variant Classification Sherloc (09022015). Collection method: clinical testing. Allele origin: germline.

PreventionGenetics, part of Exact Sciences
Classification: Likely benign for PCNT-related condition. Last evaluated: 2025-10-01. Review status: criteria provided, single submitter. Criteria: ACMG Guidelines, 2015. Collection method: clinical testing. Allele origin: germline.
Comment: This variant is classified as likely benign based on ACMG/AMP sequence variant interpretation guidelines (Richards et al. 2015 PMID: 25741868, with internal and published modifications).

Illumina Laboratory Services, Illumina
Classification: Uncertain significance for Microcephalic osteodysplastic primordial dwarfism type II. Last evaluated: 2018-01-13. Review status: criteria provided, single submitter. Criteria: ICSL Variant Classification Criteria 13 December 2019. Collection method: clinical testing. Allele origin: germline.